The following is an entry in ClinVar:

ClinVar aggregate classification (germline): Uncertain significance (1 of 4 stars; one submission).

gnomAD v4.1: 5 of 1,601,384 alleles (0.00031%); highest among the groups gnomAD compares: Non-Finnish European, 0.00043%; no homozygotes.

Submission:

CeGaT Center for Human Genetics Tuebingen
Classification: Uncertain significance. Last evaluated: 2026-04-01. Review status: criteria provided, single submitter. Criteria: CeGaT Center For Human Genetics Tuebingen Variant Classification Criteria Version 2. Collection method: clinical testing. Allele origin: germline. Affected: yes. Observed: 1 variant allele.
Comment: CHD7: PM2, BP4

NM_017780.4(CHD7):c.7831-4G>T

Gene: CHD7 (chromodomain helicase DNA binding protein 7; plus strand). Cytogenetic location: 8q12.2.
Variant type: single nucleotide variant.
Coding change: c.7831-4G>T on transcript NM_017780.4 (MANE Select); 4 bases into the intron before coding-DNA position 7831, G replaced by T.
Molecular consequence: intron variant.
Genome position (GRCh38, 1-based): chr8:60,862,192, G>T. VCF-style: chr8-60862192-G-T. GRCh37 (hg19) VCF-style: chr8-61774751-G-T.
Other names: c.1717-37G>T (NM_001316690.1).
Identifiers: ClinVar variation 4872592 (VCV004872592.2).